The following is an entry in ClinVar:

NM_016239.4(MYO15A):c.4000G>A (p.Ala1334Thr)

Gene: MYO15A (myosin XVA; plus strand). Cytogenetic location: 17p11.2.
Variant type: single nucleotide variant.
Coding change: c.4000G>A on transcript NM_016239.4 (MANE Select); coding-DNA position 4000, G replaced by A.
Protein change: p.Ala1334Thr; replaces alanine 1334 with threonine.
Molecular consequence: missense variant.
Genome position (GRCh38, 1-based): chr17:18,127,133, G>A. VCF-style: chr17-18127133-G-A. GRCh37 (hg19) VCF-style: chr17-18030447-G-A.
Other names: short protein forms A1334T.
Identifiers: ClinVar variation 2579546 (VCV002579546.1), dbSNP rs372116433, ClinGen allele CA8423683.

ClinVar aggregate classification (germline): Uncertain significance (1 of 4 stars; one submission).

Allele frequency attached by ClinVar (database versions not stated): gnomAD 0.00003; TOPMed 0.00003; ESP Exome Variant Server 0.00008.
gnomAD v4.1: 46 of 1,613,744 alleles (0.0029%); highest among the groups gnomAD compares: Non-Finnish European, 0.0036%; no homozygotes.

Submission:

GeneDx
Classification: Uncertain significance. Last evaluated: 2023-02-06. Review status: criteria provided, single submitter. Criteria: GeneDx Variant Classification Process June 2021. Collection method: clinical testing. Allele origin: germline. Affected: yes.
Comment: In silico analysis supports that this missense variant has a deleterious effect on protein structure/function; Has not been previously published as pathogenic or benign to our knowledge